The following is an entry in ClinVar:

NM_001376.5(DYNC1H1):c.13779C>G (p.Val4593=)

Gene: DYNC1H1 (dynein cytoplasmic 1 heavy chain 1; plus strand). Cytogenetic location: 14q32.31.
Variant type: single nucleotide variant.
Coding change: c.13779C>G on transcript NM_001376.5 (MANE Select); coding-DNA position 13779, C replaced by G.
Protein change: p.Val4593=; no amino-acid change (valine 4593 retained).
Molecular consequence: synonymous variant.
Genome position (GRCh38, 1-based): chr14:102,050,165, C>G. VCF-style: chr14-102050165-C-G. GRCh37 (hg19) VCF-style: chr14-102516502-C-G.
Identifiers: ClinVar variation 4993503 (VCV004993503.1).

ClinVar aggregate classification (germline): Likely benign (1 of 4 stars; one submission).

Conditions:
DYNC1H1-related disorder. Also called: DYNC1H1-related condition; DYNC1H1-related disorders. Identifiers: MedGen CN381529.

gnomAD v4.1: 2 of 1,613,960 alleles (0.00012%); highest among the groups gnomAD compares: Non-Finnish European, 0.00017%; no homozygotes.

Submission:

PreventionGenetics, part of Exact Sciences
Classification: Likely benign for DYNC1H1-related condition. Last evaluated: 2026-04-06. Review status: criteria provided, single submitter. Criteria: ACMG Guidelines, 2015. Collection method: clinical testing. Allele origin: germline.
Comment: This variant is classified as likely benign based on ACMG/AMP sequence variant interpretation guidelines (Richards et al. 2015 PMID: 25741868, with internal and published modifications).